The following is an entry in ClinVar:

NM_003000.3(SDHB):c.223G>T (p.Ala75Ser)

Gene: SDHB (succinate dehydrogenase complex iron sulfur subunit B; minus strand). Cytogenetic location: 1p36.13.
Variant type: single nucleotide variant.
Coding change: c.223G>T on transcript NM_003000.3 (MANE Select); coding-DNA position 223, G replaced by T.
Protein change: p.Ala75Ser; replaces alanine 75 with serine.
Molecular consequence: missense variant.
Genome position (GRCh38, 1-based): chr1:17,033,123, C>A on the plus strand (G>T on the coding strand, the complement: SDHB is on the minus strand). VCF-style: chr1-17033123-C-A. GRCh37 (hg19) VCF-style: chr1-17359618-C-A.
Other names: short protein forms A75S.
Identifiers: ClinVar variation 1461476 (VCV001461476.3), dbSNP rs2101529057, ClinGen allele CA338276599.

ClinVar aggregate classification (germline): Uncertain significance (1 of 4 stars; one submission).

Conditions:
Gastrointestinal stromal tumor. Also called: Gastrointestinal stroma tumor; Gastrointestinal stromal tumor, somatic. Identifiers: Orphanet 44890, MedGen C0238198, MeSH D046152, MONDO:0011719, OMIM 606764, HP:0100723.
Pheochromocytoma/paraganglioma syndrome 4. Also called: CAROTID BODY TUMORS AND MULTIPLE EXTRAADRENAL PHEOCHROMOCYTOMAS; SDHB-Related Hereditary Paraganglioma-Pheochromocytoma Syndrome; PARAGANGLIOMA, FAMILIAL MALIGNANT; PARAGANGLIOMAS, HEREDITARY EXTRAADRENAL; PHEOCHROMOCYTOMA, FAMILIAL EXTRAADRENAL; Paragangliomas 4. Identifiers: Orphanet 29072, MedGen C1861848, MONDO:0007273, OMIM 115310.
Pheochromocytoma. Also called: MAX-Related Hereditary Paraganglioma-Pheochromocytoma Syndrome. Identifiers: Orphanet 29072, MedGen C0031511, MONDO:0008233, OMIM 171300, HP:0002666.

Submission:

Labcorp Genetics (formerly Invitae), Labcorp
Classification: Uncertain significance for Gastrointestinal stromal tumor; Pheochromocytoma/paraganglioma syndrome 4; Pheochromocytoma. Last evaluated: 2021-11-07. Review status: criteria provided, single submitter. Criteria: Invitae Variant Classification Sherloc (09022015). Collection method: clinical testing. Allele origin: germline.
Comment: This sequence change replaces alanine, which is neutral and non-polar, with serine, which is neutral and polar, at codon 75 of the SDHB protein (p.Ala75Ser). This variant is not present in population databases (gnomAD no frequency). This variant has not been reported in the literature in individuals affected with SDHB-related conditions. Advanced modeling of protein sequence and biophysical properties (such as structural, functional, and spatial information, amino acid conservation, physicochemical variation, residue mobility, and thermodynamic stability) performed at Invitae indicates that this missense variant is expected to disrupt SDHB protein function. In summary, the available evidence is currently insufficient to determine the role of this variant in disease. Therefore, it has been classified as a Variant of Uncertain Significance.